The following is an entry in ClinVar:

NM_002474.3(MYH11):c.3847C>A (p.His1283Asn)

Gene: MYH11 (myosin heavy chain 11; minus strand). Cytogenetic location: 16p13.11.
Variant type: single nucleotide variant.
Coding change: c.3847C>A on transcript NM_002474.3 (MANE Select); coding-DNA position 3847, C replaced by A.
Protein change: p.His1283Asn; replaces histidine 1283 with asparagine.
Molecular consequence: missense variant.
Genome position (GRCh38, 1-based): chr16:15,726,859, G>T on the plus strand (C>A on the coding strand, the complement: MYH11 is on the minus strand). VCF-style: chr16-15726859-G-T. GRCh37 (hg19) VCF-style: chr16-15820716-G-T.
Other names: c.3868C>A, p.His1290Asn (NM_001040113.2, NM_001040114.2); c.3847C>A, p.His1283Asn (NM_022844.3); short protein forms H1290N, H1283N.
Identifiers: ClinVar variation 860035 (VCV000860035.7), dbSNP rs750794801, ClinGen allele CA7921873.
Genomic context (GRCh38, chr16:15,726,859, plus strand): 5'-CTGGGCACCACCCAGCACTGCCCACCACACCACCGCGCCACCTCCTCACCTGCAGCTTGT[G>T]GACTTTGTCATTGAGCTCCGCCCGGGCCCGCTCCCCATCGCTGCACTTGGACTGCAGCTC-3'
Protein context (NP_002465.1, residues 1273-1293): RARAELNDKV[His1283Asn]KLQNEVESVT

ClinVar aggregate classification (germline): Uncertain significance (1 of 4 stars; one submission).

Conditions:
Aortic aneurysm, familial thoracic 4 (AAT4). Also called: AORTIC ANEURYSM/AORTIC DISSECTION AND PATENT DUCTUS ARTERIOSUS. Identifiers: MedGen C1851504, MONDO:0007568, OMIM 132900.

Allele frequency attached by ClinVar (database versions not stated): gnomAD exomes below 0.00001; ExAC 0.00001.
gnomAD v4.1: 6 of 1,611,976 alleles (0.00037%); highest among the groups gnomAD compares: Non-Finnish European, 0.00051%; no homozygotes.

Submission:

Labcorp Genetics (formerly Invitae), Labcorp
Classification: Uncertain significance for Aortic aneurysm, familial thoracic 4. Last evaluated: 2022-07-11. Review status: criteria provided, single submitter. Criteria: Invitae Variant Classification Sherloc (09022015). Collection method: clinical testing. Allele origin: germline.
Comment: In summary, the available evidence is currently insufficient to determine the role of this variant in disease. Therefore, it has been classified as a Variant of Uncertain Significance. Algorithms developed to predict the effect of missense changes on protein structure and function (SIFT, PolyPhen-2, Align-GVGD) all suggest that this variant is likely to be tolerated. ClinVar contains an entry for this variant (Variation ID: 860035). This missense change has been observed in individual(s) with thoracic aortic aneurysm and/or dissection (Invitae). This variant is present in population databases (rs750794801, gnomAD 0.0009%). This sequence change replaces histidine, which is basic and polar, with asparagine, which is neutral and polar, at codon 1290 of the MYH11 protein (p.His1290Asn).